The following is an entry in ClinVar:

ClinVar aggregate classification (germline): Likely pathogenic (1 of 4 stars; one submission).

Conditions:
Marfan syndrome (MFS). Also called: FBN1-Related Marfan Syndrome; MARFAN SYNDROME, TYPE I; Marfan syndrome type 1; Marfan's syndrome; Marfan syndrome, classic. Identifiers: Orphanet 284963, Orphanet 558, MedGen C0024796, MONDO:0007947, OMIM 154700.

Submission:

Institute of Human Genetics, University of Leipzig Medical Center
Classification: Likely pathogenic for Marfan syndrome. Last evaluated: 2026-03-27. Review status: criteria provided, single submitter. Criteria: ACMG Guidelines, 2015. Collection method: clinical testing. Allele origin: unknown. Inheritance: Autosomal dominant inheritance. Affected: yes.
Comment: Criteria applied: PM1,PM5,PS4_SUP,PM2_SUP,PP2,PP3

NM_000138.5(FBN1):c.7382A>C (p.Asn2461Thr)

Gene: FBN1 (fibrillin 1; minus strand). Cytogenetic location: 15q21.1.
Variant type: single nucleotide variant.
Coding change: c.7382A>C on transcript NM_000138.5 (MANE Select); coding-DNA position 7382, A replaced by C.
Protein change: p.Asn2461Thr; replaces asparagine 2461 with threonine.
Molecular consequence: missense variant.
Genome position (GRCh38, 1-based): chr15:48,425,440, T>G on the plus strand (A>C on the coding strand, the complement: FBN1 is on the minus strand). VCF-style: chr15-48425440-T-G. GRCh37 (hg19) VCF-style: chr15-48717637-T-G.
Other names: c.7382A>C, p.Asn2461Thr (NM_001406716.1); short protein forms N2461T.
Identifiers: ClinVar variation 4845398 (VCV004845398.1).